The following is an entry in ClinVar:

ClinVar aggregate classification (germline): Uncertain significance (1 of 4 stars; one submission).

Submission:

Labcorp Genetics (formerly Invitae), Labcorp
Classification: Uncertain significance. Last evaluated: 2021-11-11. Review status: criteria provided, single submitter. Criteria: Invitae Variant Classification Sherloc (09022015). Collection method: clinical testing. Allele origin: germline.
Comment: Algorithms developed to predict the effect of missense changes on protein structure and function are either unavailable or do not agree on the potential impact of this missense change (SIFT: "Not Available"; PolyPhen-2: "Probably Damaging"; Align-GVGD: "Not Available"). In summary, the available evidence is currently insufficient to determine the role of this variant in disease. Therefore, it has been classified as a Variant of Uncertain Significance. This variant has not been reported in the literature in individuals affected with UNC80-related conditions. This sequence change replaces glutamic acid, which is acidic and polar, with lysine, which is basic and polar, at codon 1663 of the UNC80 protein (p.Glu1663Lys). This variant is not present in population databases (gnomAD no frequency).

NM_001371986.1(UNC80):c.5185G>A (p.Glu1729Lys)

Genes: UNC80 (unc-80 subunit of NALCN channel complex; plus strand), LOC126806490 (P300/CBP strongly-dependent group 1 enhancer GRCh37_chr2:210782411-210783610; plus strand). Cytogenetic location: 2q34.
Variant type: single nucleotide variant.
Coding change: c.5185G>A on transcript NM_001371986.1 (MANE Select); coding-DNA position 5185, G replaced by A.
Protein change: p.Glu1729Lys; replaces glutamic acid 1729 with lysine.
Molecular consequence: missense variant.
Genome position (GRCh38, 1-based): chr2:209,917,932, G>A. VCF-style: chr2-209917932-G-A. GRCh37 (hg19) VCF-style: chr2-210782656-G-A.
Other names: c.4987G>A, p.Glu1663Lys (NM_032504.2); c.4972G>A, p.Glu1658Lys (NM_182587.4); short protein forms E1658K, E1729K, E1663K.
Identifiers: ClinVar variation 1354297 (VCV001354297.6), dbSNP rs2124948245, ClinGen allele CA350759470.